The following is an entry in ClinVar:

ClinVar aggregate classification (germline): Uncertain significance (1 of 4 stars; one submission).

Submission:

Labcorp Genetics (formerly Invitae), Labcorp
Classification: Uncertain significance. Last evaluated: 2024-06-01. Review status: criteria provided, single submitter. Criteria: Invitae Variant Classification Sherloc (09022015). Collection method: clinical testing. Allele origin: germline.
Comment: This sequence change replaces histidine, which is basic and polar, with proline, which is neutral and non-polar, at codon 36 of the POC5 protein (p.His36Pro). This variant is not present in population databases (gnomAD no frequency). This variant has not been reported in the literature in individuals affected with POC5-related conditions. An algorithm developed to predict the effect of missense changes on protein structure and function (PolyPhen-2) suggests that this variant is likely to be tolerated. In summary, the available evidence is currently insufficient to determine the role of this variant in disease. Therefore, it has been classified as a Variant of Uncertain Significance.

NM_001099271.2(POC5):c.107A>C (p.His36Pro)

Gene: POC5 (POC5 centriolar protein; minus strand). Cytogenetic location: 5q13.3.
Variant type: single nucleotide variant.
Coding change: c.107A>C on transcript NM_001099271.2 (MANE Select); coding-DNA position 107, A replaced by C.
Protein change: p.His36Pro; replaces histidine 36 with proline.
Molecular consequence: missense variant.
Genome position (GRCh38, 1-based): chr5:75,707,853, T>G on the plus strand (A>C on the coding strand, the complement: POC5 is on the minus strand). VCF-style: chr5-75707853-T-G. GRCh37 (hg19) VCF-style: chr5-75003678-T-G.
Other names: c.32A>C, p.His11Pro (NM_152408.3); short protein forms H36P, H11P.
Identifiers: ClinVar variation 3655257 (VCV003655257.2).